The following is an entry in ClinVar:

NM_206933.4(USH2A):c.4858C>T (p.Gln1620Ter)

Gene: USH2A (usherin; minus strand). Cytogenetic location: 1q41.
Variant type: single nucleotide variant.
Coding change: c.4858C>T on transcript NM_206933.4 (MANE Select); coding-DNA position 4858, C replaced by T.
Protein change: p.Gln1620Ter; replaces glutamine 1620 with a stop codon.
Molecular consequence: nonsense.
Genome position (GRCh38, 1-based): chr1:216,089,040, G>A on the plus strand (C>T on the coding strand, the complement: USH2A is on the minus strand). VCF-style: chr1-216089040-G-A. GRCh37 (hg19) VCF-style: chr1-216262382-G-A.
Other names: short protein forms Q1620*.
Identifiers: ClinVar variation 1687359 (VCV001687359.1), dbSNP rs746900872, ClinGen allele CA344860647.
Genomic context (GRCh38, chr1:216,089,040, plus strand): 5'-CAGGGCTATTTATACATATCAAAAAGTACTTACCTGTATATATCCCATCCAGAGTGATTT[G>A]GCCAAAAGCCTGATGCCTAATAGCAATTATTTCATGCCATTTTCCATCACTATATTGTTT-3'

ClinVar aggregate classification (germline): Likely pathogenic (1 of 4 stars; one submission).

Conditions:
Usher syndrome type 2A. Also called: USHER SYNDROME, TYPE IIA; RETINAL DISEASE IN USHER SYNDROME TYPE IIA, MODIFIER OF. Identifiers: Orphanet 231178, Orphanet 886, MedGen C1848634, MONDO:0010169, OMIM 276901.

gnomAD v4.1: 1 of 1,613,350 alleles (0.000062%); highest among the groups gnomAD compares: South Asian, 0.0011%; no homozygotes.

Submission:

3billion
Classification: Likely pathogenic for Usher syndrome type 2A. Last evaluated: 2022-05-22. Review status: criteria provided, single submitter. Criteria: ACMG Guidelines, 2015. Collection method: clinical testing. Allele origin: germline. Affected: yes. Observed: 1 heterozygote.
Comment: The variant is not observed in the gnomAD v2.1.1 dataset. Stop-gained (nonsense): predicted to result in a loss or disruption of normal protein function through nonsense-mediated decay (NMD) or protein truncation. Multiple pathogenic variants are reported downstream of the variant. Therefore, this variant is classified as likely pathogenic according to the recommendation of ACMG/AMP guideline.